The following is an entry in ClinVar:

ClinVar aggregate classification (germline): Uncertain significance. Review status: criteria provided, multiple submitters, no conflicts (2 of 4 stars). 9 submissions from 9 submitters: Uncertain significance (9). Last evaluated 2026-01-05.

Conditions:
BARD1-related cancer predisposition. Identifiers: MedGen CN377756, MONDO:0700267.
Hereditary cancer-predisposing syndrome. Also called: Neoplastic Syndromes, Hereditary; Hereditary neoplastic syndrome; Tumor predisposition; Hereditary Cancer Syndrome. Identifiers: Orphanet 140162, MedGen C0027672, MeSH D009386, MONDO:0015356.
Familial cancer of breast. Also called: BREAST CANCER, FAMILIAL; Hereditary breast cancer; hereditary breast carcinoma. Identifiers: Orphanet 227535, MedGen C0346153, MONDO:0016419, OMIM 114480. Disease mechanism: loss of function.

Allele frequency attached by ClinVar (database versions not stated): gnomAD exomes below 0.00001 and 0.00001; TOPMed 0.00001; gnomAD 0.00001.
gnomAD v4.1: 10 of 1,613,890 alleles (0.00062%); highest among the groups gnomAD compares: South Asian, 0.0033%; no homozygotes.

Submissions (9):

Labcorp Genetics (formerly Invitae), Labcorp
Classification: Uncertain significance for Familial cancer of breast. Last evaluated: 2026-01-05. Review status: criteria provided, single submitter. Criteria: Invitae Variant Classification Sherloc (09022015). Collection method: clinical testing. Allele origin: germline.
Comment: This sequence change replaces arginine, which is basic and polar, with cysteine, which is neutral and slightly polar, at codon 322 of the BARD1 protein (p.Arg322Cys). This variant is present in population databases (rs786203129, gnomAD 0.003%). This variant has not been reported in the literature in individuals affected with BARD1-related conditions. ClinVar contains an entry for this variant (Variation ID: 186669). An algorithm developed to predict the effect of missense changes on protein structure and function outputs the following: PolyPhen-2: "Benign". The cysteine amino acid residue is found in multiple mammalian species, which suggests that this missense change does not adversely affect protein function. In summary, the available evidence is currently insufficient to determine the role of this variant in disease. Therefore, it has been classified as a Variant of Uncertain Significance.

Ambry Genetics
Classification: Uncertain significance for Hereditary cancer-predisposing syndrome. Last evaluated: 2025-12-10. Review status: criteria provided, single submitter. Criteria: Ambry Variant Classification Scheme 2023. Collection method: clinical testing. Allele origin: germline.
Comment: The p.R322C variant (also known as c.964C>T), located in coding exon 4 of the BARD1 gene, results from a C to T substitution at nucleotide position 964. The arginine at codon 322 is replaced by cysteine, an amino acid with highly dissimilar properties. This amino acid position is not well conserved in available vertebrate species. In addition, this alteration is predicted to be tolerated by in silico analysis. Since supporting evidence is limited at this time, the clinical significance of this alteration remains unclear.

Dasa
Classification: Uncertain significance. Last evaluated: 2025-07-30. Review status: criteria provided, single submitter. Criteria: DASA Assertion Criteria. Collection method: clinical testing. Allele origin: germline.
Comment: NM_000465.4(BARD1):c.964C>T (p.Arg322Cys) is a missense variant that results in the substitution of arginine with cysteine. This variant is rare in population databases. Computational prediction algorithms are consistent with a benign effect. The currently available literature and clinical evidence are not sufficient to establish a definitive association between this variant and the reported condition. Therefore, this variant is classified as a variant of uncertain significance.

Hereditary Cancer Laboratory, Hospital Universitario 12 de Octubre
Classification: Uncertain significance for Hereditary cancer-predisposing syndrome. Last evaluated: 2025-03-19. Review status: criteria provided, single submitter. Criteria: ACMG Guidelines, 2015. Collection method: clinical testing. Allele origin: germline.
Comment: PM2+BP4

Molecular Pathology, Peter Maccallum Cancer Centre
Classification: Uncertain significance for BARD1-related cancer predisposition. Last evaluated: 2024-05-20. Review status: criteria provided, single submitter. Criteria: ACMG Guidelines, 2015. Collection method: clinical testing. Allele origin: germline. Inheritance: Autosomal dominant inheritance.

Color Diagnostics, LLC DBA Color Health
Classification: Uncertain significance for Hereditary cancer-predisposing syndrome. Last evaluated: 2024-03-07. Review status: criteria provided, single submitter. Criteria: ACMG Guidelines, 2015. Collection method: clinical testing. Allele origin: germline.
Comment: This missense variant replaces arginine with cysteine at codon 322 of the BARD1 protein. Computational prediction suggests that this variant may not impact protein structure and function. To our knowledge, functional studies have not been reported for this variant. This variant has not been reported in individuals affected with BARD1-related disorders in the literature. This variant has been identified in 1/250910 chromosomes in the general population by the Genome Aggregation Database (gnomAD). The available evidence is insufficient to determine the role of this variant in disease conclusively. Therefore, this variant is classified as a Variant of Uncertain Significance.

GeneDx
Classification: Uncertain significance. Last evaluated: 2023-01-24. Review status: criteria provided, single submitter. Criteria: GeneDx Variant Classification Process June 2021. Collection method: clinical testing. Allele origin: germline. Affected: yes.
Comment: Not observed at significant frequency in large population cohorts (gnomAD); In silico analysis supports that this missense variant does not alter protein structure/function; Has not been previously published as pathogenic or benign to our knowledge; This variant is associated with the following publications: (PMID: 15632137)

Department of Pathology and Laboratory Medicine, Sinai Health System
Classification: Uncertain significance for BARD1-related cancer predisposition. Last evaluated: 2022-10-03. Review status: criteria provided, single submitter. Criteria: ACMG Guidelines, 2015. Collection method: clinical testing. Allele origin: germline. Affected: yes.

Women's Health and Genetics/Laboratory Corporation of America, LabCorp
Classification: Uncertain significance. Last evaluated: 2017-10-23. Review status: criteria provided, single submitter. Criteria: LabCorp Variant Classification Summary - May 2015. Collection method: clinical testing. Allele origin: germline.
Comment: Variant summary: The BARD1 c.964C>T (p.Arg322Cys) variant involves the alteration of a non-conserved nucleotide. 3/4 in silico tools predict a damaging outcome for this variant (SNPsandGO not captured due to low reliability index). This variant was found in 1/245806 control chromosomes at a frequency of 0.0000041, which does not exceed the estimated maximal expected allele frequency of a pathogenic BARD1 variant (0.0002188). In addition, multiple clinical diagnostic laboratories/reputable databases classified this variant as uncertain significance. The variant of interest has not, to our knowledge, been reported in affected individuals via publications nor evaluated for functional impact by in vivo/vitro studies. Because of the absence of clinical information and the lack of functional studies, the variant is classified as a variant of uncertain significance (VUS) until additional information becomes available.

NM_000465.4(BARD1):c.964C>T (p.Arg322Cys)

Gene: BARD1 (BRCA1 associated RING domain 1; minus strand). Cytogenetic location: 2q35.
Variant type: single nucleotide variant.
Coding change: c.964C>T on transcript NM_000465.4 (MANE Select); coding-DNA position 964, C replaced by T.
Protein change: p.Arg322Cys; replaces arginine 322 with cysteine.
Molecular consequence: missense variant. On other transcripts: non-coding transcript variant (2), intron variant (3).
Genome position (GRCh38, 1-based): chr2:214,780,910, G>A on the plus strand (C>T on the coding strand, the complement: BARD1 is on the minus strand). VCF-style: chr2-214780910-G-A. GRCh37 (hg19) VCF-style: chr2-215645634-G-A.
Other names: c.907C>T, p.Arg303Cys (NM_001282543.2); c.159-28355C>T (NM_001282548.2); c.215+16151C>T (NM_001282545.2); c.364+11387C>T (NM_001282549.2); short protein forms R322C, R303C.
Identifiers: ClinVar variation 186669 (VCV000186669.28), dbSNP rs786203129, ClinGen allele CA195508.
Genomic context (GRCh38, chr2:214,780,910, plus strand): 5'-TCAGAATGCTGGTTCTACATCTCTTAGAAATGGGACTGGAAAGTCTATTGTGATGGCCAC[G>A]TTTTCCATTATTTTCTAATGGCAAAGATTTCTTAGATGTAAGATAATTTTTGCAGACCTT-3'
Protein context (NP_000456.2, residues 312-332): KSLPLENNGK[Arg322Cys]GHHNRLSSPI